The following is an entry in ClinVar:

NM_004415.4(DSP):c.5512C>T (p.Arg1838Cys)

Gene: DSP (desmoplakin; plus strand). Cytogenetic location: 6p24.3.
Variant type: single nucleotide variant.
Coding change: c.5512C>T on transcript NM_004415.4 (MANE Select); coding-DNA position 5512, C replaced by T.
Protein change: p.Arg1838Cys; replaces arginine 1838 with cysteine.
Molecular consequence: missense variant.
Genome position (GRCh38, 1-based): chr6:7,582,774, C>T. VCF-style: chr6-7582774-C-T. GRCh37 (hg19) VCF-style: chr6-7583007-C-T.
Other names: p.Arg1838Cys; c.3715C>T, p.Arg1239Cys (NM_001008844.3); c.4183C>T, p.Arg1395Cys (NM_001319034.2); c.5512C>T (NM_004415.3); short protein forms R1239C, R1395C, R1838C.
Identifiers: ClinVar variation 925781 (VCV000925781.12), dbSNP rs756481791, ClinGen allele CA133971918.

ClinVar aggregate classification (germline): Uncertain significance. Review status: criteria provided, multiple submitters, no conflicts (2 of 4 stars). 4 submissions from 4 submitters: Uncertain significance (4). Last evaluated 2025-10-13.

Conditions:
Brugada syndrome. Also called: Sudden unexpected nocturnal death syndrome; Sudden unexplained nocturnal death syndrome; Sudden Unexplained Death Syndrome; Sudden Unexplained Nocturnal Death Syndrome (SUNDS). Identifiers: Orphanet 130, MedGen C1142166, MONDO:0015263.
Cardiomyopathy (CMYO). Also called: Cardiomyopathies. Identifiers: Orphanet 167848, MedGen C0878544, MONDO:0004994, HP:0001638. Inheritance: Various modes of inheritance.
Arrhythmogenic right ventricular dysplasia 8 (ARVD8). Also called: Arrhythmogenic Right Ventricular Dysplasia/Cardiomyopathy 8; ARRHYTHMOGENIC RIGHT VENTRICULAR DYSPLASIA, FAMILIAL, 8; ARRHYTHMOGENIC RIGHT VENTRICULAR CARDIOMYOPATHY 8. Identifiers: MedGen C1843896, MONDO:0011831, OMIM 607450.
Arrhythmogenic cardiomyopathy with wooly hair and keratoderma. Also called: PALMOPLANTAR KERATODERMA WITH LEFT VENTRICULAR CARDIOMYOPATHY AND WOOLLY HAIR; Carvajal syndrome; Dilated cardiomyopathy with woolly hair and keratoderma; Arrhythmogenic cardiomyopathy with woolly hair and keratoderma. Identifiers: Orphanet 65282, MedGen C1854063, MONDO:0011581, OMIM 605676.
Cardiovascular phenotype. Identifiers: MedGen CN230736.

Allele frequency attached by ClinVar (database versions not stated): TOPMed below 0.00001; gnomAD exomes 0.00001.
gnomAD v4.1: 11 of 1,613,850 alleles (0.00068%); highest among the groups gnomAD compares: South Asian, 0.0033%; no homozygotes.

Submissions (4):

Labcorp Genetics (formerly Invitae), Labcorp
Classification: Uncertain significance for Arrhythmogenic cardiomyopathy with wooly hair and keratoderma; Arrhythmogenic right ventricular dysplasia 8. Last evaluated: 2025-10-13. Review status: criteria provided, single submitter. Criteria: Invitae Variant Classification Sherloc (09022015). Collection method: clinical testing. Allele origin: germline.
Comment: This sequence change replaces arginine, which is basic and polar, with cysteine, which is neutral and slightly polar, at codon 1838 of the DSP protein (p.Arg1838Cys). This variant is not present in population databases (gnomAD no frequency). This variant has not been reported in the literature in individuals affected with DSP-related conditions. ClinVar contains an entry for this variant (Variation ID: 925781). An algorithm developed to predict the effect of missense changes on protein structure and function (PolyPhen-2) suggests that this variant is likely to be disruptive. In summary, the available evidence is currently insufficient to determine the role of this variant in disease. Therefore, it has been classified as a Variant of Uncertain Significance.

Molecular Diagnostic Laboratory for Inherited Cardiovascular Disease, Montreal Heart Institute
Classification: Uncertain significance for Cardiovascular phenotype. Last evaluated: 2025-02-17. Review status: criteria provided, single submitter. Criteria: ACMG Guidelines, 2015. Collection method: clinical testing. Allele origin: germline. Affected: yes.

Color Diagnostics, LLC DBA Color Health
Classification: Uncertain significance for Cardiomyopathy. Last evaluated: 2024-06-03. Review status: criteria provided, single submitter. Criteria: ACMG Guidelines, 2015. Collection method: clinical testing. Allele origin: germline.
Comment: This missense variant replaces arginine with cysteine at codon 1838 of the DSP protein. Computational prediction suggests that this variant may not impact protein structure and function (internally defined REVEL score threshold <= 0.5, PMID: 27666373). To our knowledge, functional studies have not been reported for this variant. This variant has not been reported in individuals affected with DSP-related disorders in the literature. This variant has not been identified in the general population by the Genome Aggregation Database (gnomAD). The available evidence is insufficient to determine the role of this variant in disease conclusively. Therefore, this variant is classified as a Variant of Uncertain Significance.

Petrovsky National Research Centre of Surgery, The Federal Agency for Scientific Organizations
Classification: Uncertain significance for Brugada syndrome. Last evaluated: 2023-03-06. Review status: criteria provided, single submitter. Criteria: ACMG Guidelines, 2015. Collection method: clinical testing. Allele origin: germline. Affected: yes.
Comment: This variant is absent in The Genome Aggregation Database (gnomAD) v2.1.1 and v3.1.2 (Date of access with 06-03-2023). Clinvar contains an entry for this variant (Variation ID: 925781). This variant has not been reported in any study to our knowledge. Most in silico predictors show benign result of the protein change. In accordance with ACMG(2015) criteria this variant is classified as Variant of Uncertain Significance (VUS) with following criteria selected: PM2, BP4.